The following is an entry in ClinVar:

NM_000283.4(PDE6B):c.760G>A (p.Glu254Lys)

Genes: PDE6B (phosphodiesterase 6B; plus strand), PDE6B-AS1 (PDE6B antisense RNA 1; minus strand). Cytogenetic location: 4p16.3.
Variant type: single nucleotide variant.
Coding change: c.760G>A on transcript NM_000283.4 (MANE Select); coding-DNA position 760, G replaced by A.
Protein change: p.Glu254Lys; replaces glutamic acid 254 with lysine.
Molecular consequence: missense variant. On other transcripts: 5 prime UTR variant (5).
Genome position (GRCh38, 1-based): chr4:653,900, G>A. VCF-style: chr4-653900-G-A. GRCh37 (hg19) VCF-style: chr4-647689-G-A.
Other names: c.760G>A, p.Glu254Lys (NM_001145291.2); c.-78G>A (NM_001145292.2, NM_001350154.3, NM_001379246.1 and 1 more transcripts); c.-281G>A (NM_001350155.3); short protein forms E254K.
Identifiers: ClinVar variation 962424 (VCV000962424.11), dbSNP rs146204075, ClinGen allele CA2794112.
Genomic context (GRCh38, chr4:653,900, plus strand): 5'-CCCTCCCTCCAGGTGCTGCTGTGGTCGGCCAACAAGGTGTTTGAGGAGCTGACGGACATC[G>A]AGAGGCAGTTCCACAAGGCCTTCTACACGGTGCGGGCCTACCTCAACTGCGAGCGGTACT-3'
Protein context (NP_000274.3, residues 244-264): NKVFEELTDI[Glu254Lys]RQFHKAFYTV

ClinVar aggregate classification (germline): Uncertain significance. Review status: criteria provided, multiple submitters, no conflicts (2 of 4 stars). 2 submissions from 2 submitters: Uncertain significance (2). Last evaluated 2026-01-07.

Allele frequency attached by ClinVar (database versions not stated): ExAC 0.00003; gnomAD 0.00006 and 0.00009; gnomAD exomes 0.00006 and 0.00007; TOPMed 0.00009; ESP Exome Variant Server 0.00015.
gnomAD v4.1: 112 of 1,613,864 alleles (0.0069%); highest among the groups gnomAD compares: Middle Eastern, 0.033%; 1 homozygote.

Submissions (2):

Labcorp Genetics (formerly Invitae), Labcorp
Classification: Uncertain significance. Last evaluated: 2026-01-07. Review status: criteria provided, single submitter. Criteria: Invitae Variant Classification Sherloc (09022015). Collection method: clinical testing. Allele origin: germline.
Comment: This sequence change replaces glutamic acid, which is acidic and polar, with lysine, which is basic and polar, at codon 254 of the PDE6B protein (p.Glu254Lys). This variant is present in population databases (rs146204075, gnomAD 0.01%), including at least one homozygous and/or hemizygous individual. This missense change has been observed in individual(s) with autosomal recessive retinitis pigmentosa (PMID: 33576794). ClinVar contains an entry for this variant (Variation ID: 962424). Invitae Evidence Modeling of protein sequence and biophysical properties (such as structural, functional, and spatial information, amino acid conservation, physicochemical variation, residue mobility, and thermodynamic stability) has been performed for this missense variant. However, the output from this modeling did not meet the statistical confidence thresholds required to predict the impact of this variant on PDE6B protein function. In summary, the available evidence is currently insufficient to determine the role of this variant in disease. Therefore, it has been classified as a Variant of Uncertain Significance.

Blueprint Genetics
Classification: Uncertain significance. Last evaluated: 2023-10-02. Review status: criteria provided, single submitter. Criteria: ACMG Guidelines, 2015. Collection method: clinical testing. Allele origin: germline.

Literature cited by the submitters: PubMed 33576794 (cited by Labcorp Genetics (formerly Invitae), Labcorp).